The following is an entry in ClinVar:

ClinVar aggregate classification (germline): Uncertain significance (1 of 4 stars; one submission).

Allele frequency attached by ClinVar (database versions not stated): gnomAD exomes below 0.00001; ExAC 0.00001; gnomAD 0.00005 and 0.00006; TOPMed 0.00006.
gnomAD v4.1: 11 of 1,593,288 alleles (0.00069%); highest among the groups gnomAD compares: African/African-American, 0.012%; no homozygotes.

Submission:

Labcorp Genetics (formerly Invitae), Labcorp
Classification: Uncertain significance. Last evaluated: 2022-07-05. Review status: criteria provided, single submitter. Criteria: Invitae Variant Classification Sherloc (09022015). Collection method: clinical testing. Allele origin: germline.
Comment: This sequence change replaces glutamine, which is neutral and polar, with arginine, which is basic and polar, at codon 3078 of the CPLANE1 protein (p.Gln3078Arg). In summary, the available evidence is currently insufficient to determine the role of this variant in disease. Therefore, it has been classified as a Variant of Uncertain Significance. Advanced modeling of protein sequence and biophysical properties (such as structural, functional, and spatial information, amino acid conservation, physicochemical variation, residue mobility, and thermodynamic stability) performed at Invitae indicates that this missense variant is not expected to disrupt CPLANE1 protein function. ClinVar contains an entry for this variant (Variation ID: 1359962). This variant has not been reported in the literature in individuals affected with CPLANE1-related conditions. This variant is present in population databases (rs770872753, gnomAD 0.004%).

NM_001384732.1(CPLANE1):c.9395A>G (p.Gln3132Arg)

Gene: CPLANE1 (ciliogenesis and planar polarity effector complex subunit 1; minus strand). Cytogenetic location: 5p13.2.
Variant type: single nucleotide variant.
Coding change: c.9395A>G on transcript NM_001384732.1 (MANE Select); coding-DNA position 9395, A replaced by G.
Protein change: p.Gln3132Arg; replaces glutamine 3132 with arginine.
Molecular consequence: missense variant.
Genome position (GRCh38, 1-based): chr5:37,114,965, T>C on the plus strand (A>G on the coding strand, the complement: CPLANE1 is on the minus strand). VCF-style: chr5-37114965-T-C. GRCh37 (hg19) VCF-style: chr5-37115067-T-C.
Other names: c.9233A>G, p.Gln3078Arg (NM_023073.4); short protein forms Q3132R, Q3078R.
Identifiers: ClinVar variation 1359962 (VCV001359962.6), dbSNP rs770872753, ClinGen allele CA3237485.